The following is an entry in ClinVar:

NM_004006.3(DMD):c.9808-2A>G

Gene: DMD (dystrophin; minus strand). Cytogenetic location: Xp21.2.
Variant type: single nucleotide variant.
Coding change: c.9808-2A>G on transcript NM_004006.3 (MANE Select); the canonical splice acceptor site of the intron before coding-DNA position 9808, A replaced by G.
Molecular consequence: splice acceptor variant.
Genome position (GRCh38, 1-based): chrX:31,182,906, T>C on the plus strand (A>G on the coding strand, the complement: DMD is on the minus strand). VCF-style: chrX-31182906-T-C. GRCh37 (hg19) VCF-style: chrX-31201023-T-C.
Other names: c.9784-2A>G (NM_000109.4); c.5785-2A>G (NM_004011.4); c.5776-2A>G (NM_004012.4); c.2428-2A>G (NM_004023.3, NM_004020.4, NM_004022.3 and 2 more transcripts); c.1621-2A>G (NM_004014.3); c.604-2A>G (NM_004018.3, NM_004017.3, NM_004016.3 and 2 more transcripts); c.9796-2A>G (NM_004009.3); c.9439-2A>G (NM_004010.3).
Identifiers: ClinVar variation 1685704 (VCV001685704.3), dbSNP rs1602456486, ClinGen allele CA412653716.
Genomic context (GRCh38, chrX:31,182,906, plus strand): 5'-GGTTCCAGTCTCATCCAGTCTAGGAAGAGGGCCGCTTCGATCTCTGGCTTATTATTAGCC[T>C]GCAAAGACAGGAGGGAGAGAGAAGGAGGGCAAAAGGATGAAAGGAAAGAAGGCAAGATGG-3'

ClinVar aggregate classification (germline): Pathogenic/Likely pathogenic. Review status: criteria provided, multiple submitters, no conflicts (2 of 4 stars). 2 submissions from 2 submitters: Pathogenic (1); Likely pathogenic (1). Last evaluated 2022-05-04.

Conditions:
Becker muscular dystrophy (BMD). Also called: MUSCULAR DYSTROPHY, PSEUDOHYPERTROPHIC PROGRESSIVE, BECKER TYPE; Becker Muscular Dystrophy (BMD). Identifiers: Orphanet 98895, MedGen C0917713, MONDO:0010311, OMIM 300376.

Submissions (2):

Mendelics
Classification: Pathogenic for Becker muscular dystrophy. Last evaluated: 2022-05-04. Review status: criteria provided, single submitter. Criteria: Mendelics Assertion Criteria 2019. Collection method: clinical testing. Allele origin: germline.

Laboratorio de Genetica e Diagnostico Molecular, Hospital Israelita Albert Einstein
Classification: Likely pathogenic. Last evaluated: 2020-09-18. Review status: criteria provided, single submitter. Criteria: ACMG Guidelines, 2015. Collection method: clinical testing. Allele origin: germline. Affected: yes.
Comment: ACMG classification criteria: PVS1, PM2